The following is an entry in ClinVar:

ClinVar aggregate classification (germline): Uncertain significance (1 of 4 stars; one submission).

gnomAD v4.1: 1 of 1,614,120 alleles (0.000062%); highest among the groups gnomAD compares: Non-Finnish European, 0.000085%; no homozygotes.

Submission:

Ambry Genetics
Classification: Uncertain significance. Last evaluated: 2026-09-05. Review status: criteria provided, single submitter. Criteria: Ambry Variant Classification Scheme 2023. Collection method: clinical testing. Allele origin: germline.
Comment: The p.L1109V variant (also known as c.3325C>G), located in coding exon 29 of the KIF1B gene, results from a C to G substitution at nucleotide position 3325. The leucine at codon 1109 is replaced by valine, an amino acid with highly similar properties. This amino acid position is conserved. In addition, the in silico prediction for this alteration is inconclusive. Based on the available evidence, the clinical significance of this variant remains unclear.

NM_001365951.3(KIF1B):c.3463C>G (p.Leu1155Val)

Gene: KIF1B (kinesin family member 1B; plus strand). Cytogenetic location: 1p36.22.
Variant type: single nucleotide variant.
Coding change: c.3463C>G on transcript NM_001365951.3 (MANE Select); coding-DNA position 3463, C replaced by G.
Protein change: p.Leu1155Val; replaces leucine 1155 with valine.
Molecular consequence: missense variant.
Genome position (GRCh38, 1-based): chr1:10,339,809, C>G. VCF-style: chr1-10339809-C-G. GRCh37 (hg19) VCF-style: chr1-10399867-C-G.
Other names: c.3463C>G, p.Leu1155Val (NM_001365952.1); c.3325C>G, p.Leu1109Val (NM_015074.3); short protein forms L1109V, L1155V.
Identifiers: ClinVar variation 5023235 (VCV005023235.1).
Genomic context (GRCh38, chr1:10,339,809, plus strand): 5'-TTTTTATTTTTTTTATGAAGCTTTTTGCATCGCCATGATGAAGCATTCTCCACGGAGCCC[C>G]TCAAAAACAATGGCAGAGGAAGTCCCCTGGCCTTTTATCATGTGCAGAATGTAAGTGACA-3'
Protein context (NP_001352880.1, residues 1145-1165): RHDEAFSTEP[Leu1155Val]KNNGRGSPLA